The following is an entry in ClinVar:

NM_000603.5(NOS3):c.3450+7A>G

Genes: ATG9B (autophagy related 9B; minus strand), NOS3 (nitric oxide synthase 3; plus strand). Cytogenetic location: 7q36.1.
Variant type: single nucleotide variant.
Coding change: c.3450+7A>G on transcript NM_000603.5 (MANE Select); 7 bases into the intron after coding-DNA position 3450, A replaced by G.
Molecular consequence: intron variant.
Genome position (GRCh38, 1-based): chr7:151,013,925, A>G. VCF-style: chr7-151013925-A-G. GRCh37 (hg19) VCF-style: chr7-150711013-A-G.
Identifiers: ClinVar variation 3054854 (VCV003054854.2), dbSNP rs767654066, ClinGen allele CA4567704.

ClinVar aggregate classification (germline): Likely benign (0 of 4 stars; one submission).

Conditions:
NOS3-related disorder. Also called: NOS3-related condition.

Allele frequency attached by ClinVar (database versions not stated): ExAC 0.00010; gnomAD 0.00011; TOPMed 0.00012.
gnomAD v4.1: 394 of 1,598,652 alleles (0.025%); highest among the groups gnomAD compares: Non-Finnish European, 0.033%; no homozygotes.

Submission:

PreventionGenetics, part of Exact Sciences
Classification: Likely benign for NOS3-related condition. Last evaluated: 2020-11-12. Review status: no assertion criteria provided. Collection method: clinical testing. Allele origin: germline.
Comment: This variant is classified as likely benign based on ACMG/AMP sequence variant interpretation guidelines (Richards et al. 2015 PMID: 25741868, with internal and published modifications).